The following is an entry in ClinVar:

ClinVar aggregate classification (germline): Uncertain significance (1 of 4 stars; one submission).

Conditions:
Microphthalmia with brain and digit anomalies (MCOPS6). Also called: MICROPHTHALMIA AND PITUITARY ANOMALIES; Microphthalmia, syndromic 6. Identifiers: Orphanet 139471, MedGen C1864689, MONDO:0011936, OMIM 607932.
Orofacial cleft 11 (OFC11). Also called: CLEFT LIP WITH OR WITHOUT CLEFT PALATE, NONSYNDROMIC, 11; Orofacial cleft 11; ofc11. Identifiers: MedGen C2677434, MONDO:0010906, OMIM 600625.

Allele frequency attached by ClinVar (database versions not stated): gnomAD exomes below 0.00001.
gnomAD v4.1: 2 of 1,614,244 alleles (0.00012%); highest among the groups gnomAD compares: East Asian, 0.0045%; no homozygotes.

Submission:

Labcorp Genetics (formerly Invitae), Labcorp
Classification: Uncertain significance for Microphthalmia with brain and digit anomalies; Orofacial cleft 11. Last evaluated: 2022-03-23. Review status: criteria provided, single submitter. Criteria: Invitae Variant Classification Sherloc (09022015). Collection method: clinical testing. Allele origin: germline.
Comment: In summary, the available evidence is currently insufficient to determine the role of this variant in disease. Therefore, it has been classified as a Variant of Uncertain Significance. Algorithms developed to predict the effect of missense changes on protein structure and function are either unavailable or do not agree on the potential impact of this missense change (SIFT: "Deleterious"; PolyPhen-2: "Probably Damaging"; Align-GVGD: "Class C0"). This variant has not been reported in the literature in individuals affected with BMP4-related conditions. This variant is present in population databases (rs373023560, gnomAD 0.0009%). This sequence change replaces arginine, which is basic and polar, with cysteine, which is neutral and slightly polar, at codon 223 of the BMP4 protein (p.Arg223Cys).

NM_001202.6(BMP4):c.667C>T (p.Arg223Cys)

Gene: BMP4 (bone morphogenetic protein 4; minus strand). Cytogenetic location: 14q22.2.
Variant type: single nucleotide variant.
Coding change: c.667C>T on transcript NM_001202.6 (MANE Select); coding-DNA position 667, C replaced by T.
Protein change: p.Arg223Cys; replaces arginine 223 with cysteine.
Molecular consequence: missense variant.
Genome position (GRCh38, 1-based): chr14:53,950,592, G>A on the plus strand (C>T on the coding strand, the complement: BMP4 is on the minus strand). VCF-style: chr14-53950592-G-A. GRCh37 (hg19) VCF-style: chr14-54417310-G-A.
Other names: c.808C>T, p.Arg270Cys (NM_001347912.1); c.478C>T, p.Arg160Cys (NM_001347913.2, NM_001347915.2, NM_001347917.1); c.667C>T, p.Arg223Cys (NM_001347914.2, NM_001347916.1, NM_130850.5 and 1 more transcripts); short protein forms R223C, R270C, R160C.
Identifiers: ClinVar variation 1916037 (VCV001916037.5), dbSNP rs373023560, ClinGen allele CA7191698.